The following is an entry in ClinVar:

ClinVar aggregate classification (germline): Uncertain significance (1 of 4 stars; one submission).

Conditions:
COL18A1-related disorder. Also called: COL18A1-related condition; COL18A1-related disorders.

gnomAD v4.1: 6 of 1,596,918 alleles (0.00038%); highest among the groups gnomAD compares: Admixed American, 0.01%; no homozygotes.

Submission:

PreventionGenetics, part of Exact Sciences
Classification: Uncertain significance for COL18A1-related condition. Last evaluated: 2024-11-15. Review status: criteria provided, single submitter. Criteria: ACMG Guidelines, 2015. Collection method: clinical testing. Allele origin: germline.
Comment: The COL18A1 c.652G>T variant is predicted to result in the amino acid substitution p.Ala218Ser. To our knowledge, this variant has not been reported in the literature. This variant is reported in 0.021% of alleles in individuals of Latino descent in gnomAD. At this time, the clinical significance of this variant is uncertain due to the absence of conclusive functional and genetic evidence.

NM_001379500.1(COL18A1):c.107-12060G>T

Gene: COL18A1 (collagen type XVIII alpha 1 chain; plus strand). Cytogenetic location: 21q22.3.
Variant type: single nucleotide variant.
Coding change: c.107-12060G>T on transcript NM_001379500.1 (MANE Select); 12060 bases into the intron before coding-DNA position 107, G replaced by T.
Molecular consequence: intron variant. On other transcripts: missense variant (1).
Genome position (GRCh38, 1-based): chr21:45,456,182, G>T. VCF-style: chr21-45456182-G-T. GRCh37 (hg19) VCF-style: chr21-46876096-G-T.
Other names: c.652G>T, p.Ala218Ser (NM_130444.3); c.646+6G>T (NM_030582.4); short protein forms A218S.
Identifiers: ClinVar variation 4985872 (VCV004985872.1).
Genomic context (GRCh38, chr21:45,456,182, plus strand): 5'-CTGGGCAGGCCCTGGGCACCACTCACGGGGCCCTCAGTGCCACCACCATCTTCAGGTAGA[G>T]CTTCTCTCTCCTCCTTGCTGGGCGGGGCCCCTCCCTGGGGAAGCCTGCAGGACCCAGACA-3'